The following is an entry in ClinVar:

NM_003922.4(HERC1):c.6000C>T (p.Ala2000=)

Gene: HERC1 (HECT and RLD domain containing E3 ubiquitin protein ligase family member 1; minus strand). Cytogenetic location: 15q22.31.
Variant type: single nucleotide variant.
Coding change: c.6000C>T on transcript NM_003922.4 (MANE Select); coding-DNA position 6000, C replaced by T.
Protein change: p.Ala2000=; no amino-acid change (alanine 2000 retained).
Molecular consequence: synonymous variant.
Genome position (GRCh38, 1-based): chr15:63,689,637, G>A on the plus strand (C>T on the coding strand, the complement: HERC1 is on the minus strand). VCF-style: chr15-63689637-G-A. GRCh37 (hg19) VCF-style: chr15-63981836-G-A.
Identifiers: ClinVar variation 776910 (VCV000776910.12), dbSNP rs186236651, ClinGen allele CA7605417.
Genomic context (GRCh38, chr15:63,689,637, plus strand): 5'-AAAACCAATTACCTGTAGTTTTATTTCTTGTTCTTTTTCCTTTATCTGAATAGCATGTTT[G>A]GCCTGAGCAATGGGTGTCTCCCACATACAATCAGAGAGAAGGGAAAATAAGCGCTCAACA-3'
Protein context (NP_003913.3, residues 1990-2010): DCMWETPIAQ[Ala2000=]KHAIQIKEKE

ClinVar aggregate classification (germline): Benign/Likely benign. Review status: criteria provided, multiple submitters, no conflicts (2 of 4 stars). 3 submissions from 3 submitters: Benign (1); Likely benign (1). 1 of the submissions does not count toward it. Last evaluated 2025-10-27.

Conditions:
HERC1-related disorder. Also called: HERC1-related condition.

Allele frequency attached by ClinVar (database versions not stated): gnomAD exomes 0.00019 and 0.00049; ExAC 0.00153; gnomAD 0.00249 and 0.00265; 1000 Genomes Project 0.00260; TOPMed 0.00291; 1000 Genomes Project 30x 0.00312; ESP Exome Variant Server 0.00322.
gnomAD v4.1: 650 of 1,587,412 alleles (0.041%); highest among the groups gnomAD compares: African/African-American, 0.83%; 4 homozygotes.

Submissions (3):

Labcorp Genetics (formerly Invitae), Labcorp
Classification: Benign. Last evaluated: 2025-10-27. Review status: criteria provided, single submitter. Criteria: Invitae Variant Classification Sherloc (09022015). Collection method: clinical testing. Allele origin: germline.

Blueprint Genetics
Classification: Likely benign. Last evaluated: 2024-11-25. Review status: criteria provided, single submitter. Criteria: ACMG Guidelines, 2015. Collection method: clinical testing. Allele origin: germline.

PreventionGenetics, part of Exact Sciences
Classification: Benign for HERC1-related condition. Last evaluated: 2024-05-02. Review status: no assertion criteria provided. Collection method: clinical testing. Allele origin: germline. Not counted in ClinVar's aggregate classification.
Comment: This variant is classified as benign based on ACMG/AMP sequence variant interpretation guidelines (Richards et al. 2015 PMID: 25741868, with internal and published modifications).